The following is an entry in ClinVar:

ClinVar aggregate classification (germline): Likely benign. Review status: criteria provided, multiple submitters, no conflicts (2 of 4 stars). 3 submissions from 3 submitters: Likely benign (3). Last evaluated 2026-07-15.

Conditions:
Charcot-Marie-Tooth disease type 4. Also called: Charcot-Marie-Tooth disease, type IV; Charcot-Marie-Tooth, Type 4. Identifiers: Orphanet 64749, MedGen C4082197, MONDO:0018995.
SH3TC2-related disorder. Also called: SH3TC2-related disorders; SH3TC2-related condition. Identifiers: MedGen CN239303.
Inborn genetic diseases. Identifiers: MedGen C0950123, MeSH D030342.

Allele frequency attached by ClinVar (database versions not stated): ExAC 0.00002; gnomAD exomes 0.00002; TOPMed 0.00002; gnomAD 0.00003; 1000 Genomes Project 30x 0.00016; 1000 Genomes Project 0.00020.
gnomAD v4.1: 41 of 1,613,928 alleles (0.0025%); highest among the groups gnomAD compares: South Asian, 0.0055%; no homozygotes.

Submissions (3):

PreventionGenetics, part of Exact Sciences
Classification: Likely benign for SH3TC2-related condition. Last evaluated: 2026-07-15. Review status: criteria provided, single submitter. Criteria: ACMG Guidelines, 2015. Collection method: clinical testing. Allele origin: germline.
Comment: This variant is classified as likely benign based on ACMG/AMP sequence variant interpretation guidelines (Richards et al. 2015 PMID: 25741868, with internal and published modifications).

Labcorp Genetics (formerly Invitae), Labcorp
Classification: Likely benign for Charcot-Marie-Tooth disease type 4. Last evaluated: 2025-08-18. Review status: criteria provided, single submitter. Criteria: Invitae Variant Classification Sherloc (09022015). Collection method: clinical testing. Allele origin: germline.

Ambry Genetics
Classification: Likely benign for Inborn genetic diseases. Last evaluated: 2019-07-11. Review status: criteria provided, single submitter. Criteria: Ambry Variant Classification Scheme 2023. Collection method: clinical testing. Allele origin: germline.

NM_024577.4(SH3TC2):c.1947C>T (p.His649=)

Gene: SH3TC2 (SH3 domain and tetratricopeptide repeats 2; minus strand). Cytogenetic location: 5q32.
Variant type: single nucleotide variant.
Coding change: c.1947C>T on transcript NM_024577.4 (MANE Select); coding-DNA position 1947, C replaced by T.
Protein change: p.His649=; no amino-acid change (histidine 649 retained).
Molecular consequence: synonymous variant.
Genome position (GRCh38, 1-based): chr5:149,027,785, G>A on the plus strand (C>T on the coding strand, the complement: SH3TC2 is on the minus strand). VCF-style: chr5-149027785-G-A. GRCh37 (hg19) VCF-style: chr5-148407348-G-A.
Identifiers: ClinVar variation 543439 (VCV000543439.15), dbSNP rs576049662, ClinGen allele CA3499084.